The following is an entry in ClinVar:

ClinVar aggregate classification (germline): Uncertain significance (1 of 4 stars; one submission).

Conditions:
Primary familial hypertrophic cardiomyopathy (HCM). Identifiers: Orphanet 99739, MedGen C0949658, MeSH D024741, MONDO:0024573. Inheritance: Various modes of inheritance.
Dilated cardiomyopathy 1AA (CMD1AA). Also called: Cardiomyopathy, dilated, 1AA, with or without LVNC; CARDIOMYOPATHY, DILATED, 1AA, WITH OR WITHOUT LEFT VENTRICULAR NONCOMPACTION; CARDIOMYOPATHY, FAMILIAL HYPERTROPHIC, 23, WITH OR WITHOUT LEFT VENTRICULAR NONCOMPACTION. Identifiers: Orphanet 154, MedGen C2677338, MONDO:0012808, OMIM 612158.

Submission:

Labcorp Genetics (formerly Invitae), Labcorp
Classification: Uncertain significance for Primary familial hypertrophic cardiomyopathy; Dilated cardiomyopathy 1AA. Last evaluated: 2020-06-03. Review status: criteria provided, single submitter. Criteria: Invitae Variant Classification Sherloc (09022015). Collection method: clinical testing. Allele origin: germline.
Comment: This sequence change replaces glutamic acid with alanine at codon 18 of the ACTN2 protein (p.Glu18Ala). The glutamic acid residue is highly conserved and there is a moderate physicochemical difference between glutamic acid and alanine. In summary, the available evidence is currently insufficient to determine the role of this variant in disease. Therefore, it has been classified as a Variant of Uncertain Significance. Algorithms developed to predict the effect of missense changes on protein structure and function are either unavailable or do not agree on the potential impact of this missense change (SIFT: "Deleterious"; PolyPhen-2: "Benign"; Align-GVGD: "Class C0"). This variant has not been reported in the literature in individuals with ACTN2-related conditions. This variant is not present in population databases (ExAC no frequency).

NM_001103.4(ACTN2):c.53A>C (p.Glu18Ala)

Gene: ACTN2 (actinin alpha 2; plus strand). Cytogenetic location: 1q43.
Variant type: single nucleotide variant.
Coding change: c.53A>C on transcript NM_001103.4 (MANE Select); coding-DNA position 53, A replaced by C.
Protein change: p.Glu18Ala; replaces glutamic acid 18 with alanine.
Molecular consequence: missense variant. On other transcripts: 5 prime UTR variant (1).
Genome position (GRCh38, 1-based): chr1:236,686,726, A>C. VCF-style: chr1-236686726-A-C. GRCh37 (hg19) VCF-style: chr1-236850026-A-C.
Other names: c.53A>C, p.Glu18Ala (NM_001278343.2); c.-769A>C (NM_001278344.2); short protein forms E18A.
Identifiers: ClinVar variation 1056162 (VCV001056162.9), dbSNP rs1237522987, ClinGen allele CA345358223.